The following is an entry in ClinVar:

NM_182961.4(SYNE1):c.3925C>T (p.Arg1309Ter)

Gene: SYNE1 (spectrin repeat containing nuclear envelope protein 1; minus strand). Cytogenetic location: 6q25.2.
Variant type: single nucleotide variant.
Coding change: c.3925C>T on transcript NM_182961.4 (MANE Select); coding-DNA position 3925, C replaced by T.
Protein change: p.Arg1309Ter; replaces arginine 1309 with a stop codon.
Molecular consequence: nonsense.
Genome position (GRCh38, 1-based): chr6:152,442,158, G>A on the plus strand (C>T on the coding strand, the complement: SYNE1 is on the minus strand). VCF-style: chr6-152442158-G-A. GRCh37 (hg19) VCF-style: chr6-152763293-G-A.
Other names: c.3946C>T, p.Arg1316Ter (NM_033071.5); short protein forms R1309*, R1316*.
Identifiers: ClinVar variation 3382673 (VCV003382673.2).
Genomic context (GRCh38, chr6:152,442,158, plus strand): 5'-CCCGGCTGCGCTCCAGGCCATCCAGTGTGCTCTCCAGCTTCCGCAGCTCCTCGTGGCCTC[G>A]GTCAGGCAGCCCCCCTTCTCCCTGCTGCGCCTGCGCGATCTGCTGCTGCACATCTCTCTT-3'

ClinVar aggregate classification (germline): Pathogenic (1 of 4 stars; one submission).

Conditions:
Emery-Dreifuss muscular dystrophy 4, autosomal dominant (EDMD4). Also called: EMERY-DREIFUSS MUSCULAR DYSTROPHY 4 WITH VARIABLE FEATURES. Identifiers: Orphanet 261, MedGen C2751807, MONDO:0013071, OMIM 612998.
Autosomal recessive ataxia, Beauce type. Also called: SYNE1 Deficiency; Spinocerebellar ataxia, autosomal recessive 8; ATAXIA, RECESSIVE, OF BEAUCE; SYNE1-Related Autosomal Recessive Cerebellar Ataxia. Identifiers: Orphanet 88644, MedGen C1853116, MONDO:0012549, OMIM 610743.
Arthrogryposis multiplex congenita 3, myogenic type. Also called: ARTHROGRYPOSIS MULTIPLEX CONGENITA, MYOGENIC TYPE. Identifiers: MedGen C5193121, MONDO:0032778, OMIM 618484.

Submission:

Juno Genomics, Hangzhou Juno Genomics, Inc
Classification: Pathogenic for Arthrogryposis multiplex congenita 3, myogenic type; Emery-Dreifuss muscular dystrophy 4, autosomal dominant; Autosomal recessive ataxia, Beauce type. Review status: criteria provided, single submitter. Criteria: ACMG Guidelines, 2015. Collection method: clinical testing. Allele origin: germline. Affected: yes.
Comment: Null variant in a gene where loss of function (LOF) is a known mechanism of disease.;Absent from controls (or at extremely low frequency if recessive) in Genome Aggregation Database, Exome Sequencing Project, 1000 Genomes Project, or Exome Aggregation Consortium.;For recessive disorders, detected in trans with a pathogenic variant.